The following is an entry in ClinVar:

NM_005412.6(SHMT2):c.1304A>C (p.Gln435Pro)

Gene: SHMT2 (serine hydroxymethyltransferase 2; plus strand). Cytogenetic location: 12q13.3.
Variant type: single nucleotide variant.
Coding change: c.1304A>C on transcript NM_005412.6 (MANE Select); coding-DNA position 1304, A replaced by C.
Protein change: p.Gln435Pro; replaces glutamine 435 with proline.
Molecular consequence: missense variant. On other transcripts: non-coding transcript variant (4).
Genome position (GRCh38, 1-based): chr12:57,234,027, A>C. VCF-style: chr12-57234027-A-C. GRCh37 (hg19) VCF-style: chr12-57627810-A-C.
Other names: c.1274A>C, p.Gln425Pro (NM_001166356.2); c.1241A>C, p.Gln414Pro (NM_001166357.1, NM_001166358.2, NM_001166359.1); short protein forms Q435P, Q414P, Q425P.
Identifiers: ClinVar variation 988635 (VCV000988635.2), dbSNP rs2037448764, ClinGen allele CA385405067.
Genomic context (GRCh38, chr12:57,234,027, plus strand): 5'-GGCTATGCTCATCCCTCCCCTTGTGCCTCGTTCCAGGGGCCCCAGCCTTAACTTCTCGAC[A>C]GTTCCGTGAGGATGACTTCCGGAGAGTTGTGGACTTTATAGATGAAGGGGTCAACATTGG-3'
Protein context (NP_005403.2, residues 425-445): RLGAPALTSR[Gln435Pro]FREDDFRRVV

ClinVar aggregate classification (germline): Uncertain significance. Review status: criteria provided, single submitter (1 of 4 stars). 2 submissions from 2 submitters: Uncertain significance (1). 1 of the submissions does not count toward it. Last evaluated 2025-04-23.

Conditions:
Neurodevelopmental disorder with cardiomyopathy, spasticity, and brain abnormalities. Identifiers: MedGen C5436848, MONDO:0030866, OMIM 619121.

Allele frequency attached by ClinVar (database versions not stated): TOPMed below 0.00001.

Submissions (2):

GeneDx
Classification: Uncertain significance. Last evaluated: 2025-04-23. Review status: criteria provided, single submitter. Criteria: GeneDx Variant Classification Process June 2021. Collection method: clinical testing. Allele origin: germline. Affected: yes.
Comment: Not observed at significant frequency in large population cohorts (gnomAD); In silico analysis indicates that this missense variant does not alter protein structure/function; Also known as c.1304 A>C p.(Q435P) due to alternate nomenclature; This variant is associated with the following publications: (PMID: 33015733)

OMIM
Classification: Pathogenic for NEURODEVELOPMENTAL DISORDER WITH CARDIOMYOPATHY, SPASTICITY, AND BRAIN ABNORMALITIES. Last evaluated: 2020-12-11. Review status: flagged submission. Collection method: literature only. Allele origin: germline. Not counted in ClinVar's aggregate classification.
ClinVar note: Notes: Flagging candidate with reason of insufficient supporting evidence. This gene has been classified as having a limited gene-disease relationship by a ClinGen Expert Panel
ClinVar note: Reason: P/LP classification for a variant in a gene with insufficient evidence for a gene-disease relationship

Literature cited by the submitters: PubMed 33015733 (cited by OMIM).